The following is an entry in ClinVar:

NM_000051.4(ATM):c.1385T>C (p.Val462Ala)

Gene: ATM (ATM serine/threonine kinase; plus strand). Cytogenetic location: 11q22.3.
Variant type: single nucleotide variant.
Coding change: c.1385T>C on transcript NM_000051.4 (MANE Select); coding-DNA position 1385, T replaced by C.
Protein change: p.Val462Ala; replaces valine 462 with alanine.
Molecular consequence: missense variant.
Genome position (GRCh38, 1-based): chr11:108,250,850, T>C. VCF-style: chr11-108250850-T-C. GRCh37 (hg19) VCF-style: chr11-108121577-T-C.
Other names: c.1385T>C, p.Val462Ala (NM_001351834.2); short protein forms V462A.
Identifiers: ClinVar variation 524253 (VCV000524253.9), dbSNP rs1555070869, ClinGen allele CA382533883.
Genomic context (GRCh38, chr11:108,250,850, plus strand): 5'-TTCTACCCCAACAGCGACATGGGGAACGTACACCATATGTGTTACGATGCCTTACGGAAG[T>C]TGCATTGTGTCAAGACAAGAGGTCAAACCTAGAAAGCTCACAAAAGTCAGATTTATTAAA-3'
Protein context (NP_000042.3, residues 452-472): TPYVLRCLTE[Val462Ala]ALCQDKRSNL

ClinVar aggregate classification (germline): Uncertain significance. Review status: criteria provided, multiple submitters, no conflicts (2 of 4 stars). 3 submissions from 3 submitters: Uncertain significance (3). Last evaluated 2024-10-07.

Conditions:
Hereditary cancer-predisposing syndrome. Also called: Neoplastic Syndromes, Hereditary; Tumor predisposition; Hereditary Cancer Syndrome; Hereditary neoplastic syndrome. Identifiers: Orphanet 140162, MedGen C0027672, MeSH D009386, MONDO:0015356.
Ataxia-telangiectasia syndrome (AT). Also called: ATAXIA-TELANGIECTASIA, COMPLEMENTATION GROUP A; ATAXIA-TELANGIECTASIA, FRESNO VARIANT; Ataxia-telangiectasia; Ataxia-telangiectasia, complementation group D; AT, COMPLEMENTATION GROUP C; Ataxia-telangiectasia, complementation group E. Identifiers: Orphanet 100, MedGen C0004135, MONDO:0008840, OMIM 208900.

Submissions (3):

Labcorp Genetics (formerly Invitae), Labcorp
Classification: Uncertain significance for Ataxia-telangiectasia syndrome. Last evaluated: 2024-10-07. Review status: criteria provided, single submitter. Criteria: Invitae Variant Classification Sherloc (09022015). Collection method: clinical testing. Allele origin: germline.
Comment: This sequence change replaces valine, which is neutral and non-polar, with alanine, which is neutral and non-polar, at codon 462 of the ATM protein (p.Val462Ala). This variant is not present in population databases (gnomAD no frequency). This variant has not been reported in the literature in individuals affected with ATM-related conditions. ClinVar contains an entry for this variant (Variation ID: 524253). Invitae Evidence Modeling of protein sequence and biophysical properties (such as structural, functional, and spatial information, amino acid conservation, physicochemical variation, residue mobility, and thermodynamic stability) indicates that this missense variant is not expected to disrupt ATM protein function with a negative predictive value of 95%. In summary, the available evidence is currently insufficient to determine the role of this variant in disease. Therefore, it has been classified as a Variant of Uncertain Significance.

Ambry Genetics
Classification: Uncertain significance for Hereditary cancer-predisposing syndrome. Last evaluated: 2024-02-16. Review status: criteria provided, single submitter. Criteria: Ambry Variant Classification Scheme 2023. Collection method: clinical testing. Allele origin: germline.
Comment: The p.V462A variant (also known as c.1385T>C), located in coding exon 9 of the ATM gene, results from a T to C substitution at nucleotide position 1385. The valine at codon 462 is replaced by alanine, an amino acid with similar properties. This amino acid position is conserved. In addition, this alteration is predicted to be tolerated by in silico analysis. Since supporting evidence is limited at this time, the clinical significance of this alteration remains unclear.

Sema4
Classification: Uncertain significance for Hereditary cancer-predisposing syndrome. Last evaluated: 2021-12-28. Review status: criteria provided, single submitter. Criteria: Sema4 Curation Guidelines. Collection method: curation. Allele origin: germline.
Comment: The ATM c.1385T>C (p.V462A) variant has been reported in heterozygosity in at least one individual with breast cancer (PMID: 33471991). It was not observed in the large and broad cohorts of the Genome Aggregation Database (PMID: 32461654). This variant has been reported in ClinVar (Variation ID: 524253). Functional studies have not been performed, and in silico predictions of the variant's effect on protein function are inconclusive. The evidence is insufficient to meet ACMG/AMP criteria for classifying the variant as benign or pathogenic. Thus, the clinical significance of this variant is currently uncertain.

Literature cited by the submitters: PubMed 33471991 (cited by Sema4).